The following is an entry in ClinVar:

ClinVar aggregate classification (germline): Likely pathogenic (1 of 4 stars; one submission).

Conditions:
Isolated microphthalmia 2. Identifiers: Orphanet 2542, MedGen C1864720, MONDO:0012409, OMIM 610093.

Submission:

Labcorp Genetics (formerly Invitae), Labcorp
Classification: Likely pathogenic for Isolated microphthalmia 2. Last evaluated: 2022-04-08. Review status: criteria provided, single submitter. Criteria: Invitae Variant Classification Sherloc (09022015). Collection method: clinical testing. Allele origin: germline.
Comment: This sequence change affects an acceptor splice site in intron 3 of the VSX2 gene. It is expected to disrupt RNA splicing. Variants that disrupt the donor or acceptor splice site typically lead to a loss of protein function (PMID: 16199547), and loss-of-function variants in VSX2 are known to be pathogenic (PMID: 20414678). This variant is not present in population databases (gnomAD no frequency). This variant has not been reported in the literature in individuals affected with VSX2-related conditions. Algorithms developed to predict the effect of sequence changes on RNA splicing suggest that this variant may disrupt the consensus splice site. In summary, the currently available evidence indicates that the variant is pathogenic, but additional data are needed to prove that conclusively. Therefore, this variant has been classified as Likely Pathogenic.

Literature cited by the submitters: PubMed 16199547; PubMed 20414678.

NM_182894.3(VSX2):c.580-2A>C

Gene: VSX2 (visual system homeobox 2; plus strand). Cytogenetic location: 14q24.3.
Variant type: single nucleotide variant.
Coding change: c.580-2A>C on transcript NM_182894.3 (MANE Select); the canonical splice acceptor site of the intron before coding-DNA position 580, A replaced by C.
Molecular consequence: splice acceptor variant.
Genome position (GRCh38, 1-based): chr14:74,259,600, A>C. VCF-style: chr14-74259600-A-C. GRCh37 (hg19) VCF-style: chr14-74726303-A-C.
Identifiers: ClinVar variation 2123300 (VCV002123300.4), dbSNP rs2504973070, ClinGen allele CA390368958.